The following is an entry in ClinVar:

ClinVar aggregate classification (germline): Uncertain significance. Review status: criteria provided, multiple submitters, no conflicts (2 of 4 stars). 2 submissions from 2 submitters: Uncertain significance (2). Last evaluated 2023-12-29.

Conditions:
Inborn genetic diseases. Identifiers: MedGen C0950123, MeSH D030342.

Allele frequency attached by ClinVar (database versions not stated): gnomAD 0.00015; TOPMed 0.00021; 1000 Genomes Project 30x 0.00062.
gnomAD v4.1: 42 of 1,309,570 alleles (0.0032%); highest among the groups gnomAD compares: African/African-American, 0.061%; no homozygotes.

Submissions (2):

Ambry Genetics
Classification: Uncertain significance for Inborn genetic diseases. Last evaluated: 2023-12-29. Review status: criteria provided, single submitter. Criteria: Ambry Variant Classification Scheme 2023. Collection method: clinical testing. Allele origin: germline.

Labcorp Genetics (formerly Invitae), Labcorp
Classification: Uncertain significance. Last evaluated: 2022-04-08. Review status: criteria provided, single submitter. Criteria: Invitae Variant Classification Sherloc (09022015). Collection method: clinical testing. Allele origin: germline.
Comment: This sequence change replaces leucine, which is neutral and non-polar, with phenylalanine, which is neutral and non-polar, at codon 10 of the COQ9 protein (p.Leu10Phe). This variant is present in population databases (rs766594141, gnomAD 0.05%). This variant has not been reported in the literature in individuals affected with COQ9-related conditions. Algorithms developed to predict the effect of missense changes on protein structure and function output the following: SIFT: "Tolerated"; PolyPhen-2: "Not Available"; Align-GVGD: "Class C0". The phenylalanine amino acid residue is found in multiple mammalian species, which suggests that this missense change does not adversely affect protein function. Algorithms developed to predict the effect of sequence changes on RNA splicing suggest that this variant may create or strengthen a splice site. In summary, the available evidence is currently insufficient to determine the role of this variant in disease. Therefore, it has been classified as a Variant of Uncertain Significance.

NM_020312.4(COQ9):c.28C>T (p.Leu10Phe)

Genes: COQ9 (coenzyme Q9; plus strand), LOC112469007 (Sharpr-MPRA regulatory region 5957; plus strand). Cytogenetic location: 16q21.
Variant type: single nucleotide variant.
Coding change: c.28C>T on transcript NM_020312.4 (MANE Select); coding-DNA position 28, C replaced by T.
Protein change: p.Leu10Phe; replaces leucine 10 with phenylalanine.
Molecular consequence: missense variant.
Genome position (GRCh38, 1-based): chr16:57,447,533, C>T. VCF-style: chr16-57447533-C-T. GRCh37 (hg19) VCF-style: chr16-57481445-C-T.
Other names: c.28C>T (NM_020312.3); short protein forms L10F.
Identifiers: ClinVar variation 1522662 (VCV001522662.6), dbSNP rs766594141, ClinGen allele CA8076055.
Genomic context (GRCh38, chr16:57,447,533, plus strand): 5'-CGCGTCGCCGTGGGCGACGTGCCCGCTTCCAAAATGGCGGCGGCGGCGGTATCTGGTGCG[C>T]TTGGCCGGGCGGGCTGGAGGCTCCTGCAGCTGCGATGCCTGCCCGGTGAGGGGGCTGCCA-3'
Protein context (NP_064708.1, residues 1-20): MAAAAVSGA[Leu10Phe]GRAGWRLLQL